The following is an entry in ClinVar:

ClinVar aggregate classification (germline): Uncertain significance (1 of 4 stars; one submission).

Allele frequency attached by ClinVar (database versions not stated): gnomAD exomes below 0.00001.
gnomAD v4.1: 1 of 1,610,968 alleles (0.000062%); highest among the groups gnomAD compares: Non-Finnish European, 0.000085%; no homozygotes.

Submission:

Labcorp Genetics (formerly Invitae), Labcorp
Classification: Uncertain significance. Last evaluated: 2024-02-24. Review status: criteria provided, single submitter. Criteria: Invitae Variant Classification Sherloc (09022015). Collection method: clinical testing. Allele origin: germline.
Comment: This sequence change replaces aspartic acid, which is acidic and polar, with asparagine, which is neutral and polar, at codon 190 of the ATRN protein (p.Asp190Asn). This variant is not present in population databases (gnomAD no frequency). This variant has not been reported in the literature in individuals affected with ATRN-related conditions. ClinVar contains an entry for this variant (Variation ID: 1382891). An algorithm developed to predict the effect of missense changes on protein structure and function (PolyPhen-2) suggests that this variant is likely to be disruptive. In summary, the available evidence is currently insufficient to determine the role of this variant in disease. Therefore, it has been classified as a Variant of Uncertain Significance.

NM_139321.3(ATRN):c.568G>A (p.Asp190Asn)

Gene: ATRN (attractin; plus strand). Cytogenetic location: 20p13.
Variant type: single nucleotide variant.
Coding change: c.568G>A on transcript NM_139321.3 (MANE Select); coding-DNA position 568, G replaced by A.
Protein change: p.Asp190Asn; replaces aspartic acid 190 with asparagine.
Molecular consequence: missense variant.
Genome position (GRCh38, 1-based): chr20:3,540,295, G>A. VCF-style: chr20-3540295-G-A. GRCh37 (hg19) VCF-style: chr20-3520942-G-A.
Other names: c.220G>A, p.Asp74Asn (NM_001207047.3); c.568G>A, p.Asp190Asn (NM_001323332.2, NM_139322.4); short protein forms D190N, D74N.
Identifiers: ClinVar variation 1382891 (VCV001382891.6), dbSNP rs2146189489, ClinGen allele CA408252660.